The following is an entry in ClinVar:

NC_000016.10:g.67660322_67660356del

Genes: ACD (ACD shelterin complex subunit and telomerase recruitment factor; minus strand), LOC130059224 (ATAC-STARR-seq lymphoblastoid silent region 7617; plus strand). Cytogenetic location: 16q22.1.
Variant type: Deletion.
Genome position: GRCh38: chr16:67,660,322-67,660,356. GRCh37 (hg19): chr16:67,694,225-67,694,259.
Identifiers: ClinVar variation 1380539 (VCV001380539.6), dbSNP rs2142976594, ClinGen allele CA2573152567.

ClinVar aggregate classification (germline): Uncertain significance (1 of 4 stars; one submission).

Conditions:
Dyskeratosis congenita, autosomal dominant 6 (DKCA6). Identifiers: Orphanet 3322, MedGen C4225284, MONDO:0014690, OMIM 616553.

Submission:

Labcorp Genetics (formerly Invitae), Labcorp
Classification: Uncertain significance for Dyskeratosis congenita, autosomal dominant 6. Last evaluated: 2025-07-01. Review status: criteria provided, single submitter. Criteria: Invitae Variant Classification Sherloc (09022015). Collection method: clinical testing. Allele origin: germline.
Comment: This sequence change creates a premature translational stop signal (p.Arg43Profs*65) in the ACD gene. It is expected to result in an absent or disrupted protein product. However, the current clinical and genetic evidence is not sufficient to establish whether loss-of-function variants in ACD cause disease. This variant is not present in population databases (gnomAD no frequency). This variant has not been reported in the literature in individuals affected with ACD-related conditions. ClinVar contains an entry for this variant (Variation ID: 1380539). In summary, the available evidence is currently insufficient to determine the role of this variant in disease. Therefore, it has been classified as a Variant of Uncertain Significance.